The following is an entry in ClinVar:

NM_004813.4(PEX16):c.339C>T (p.Ile113=)

Gene: PEX16 (peroxisomal biogenesis factor 16; minus strand). Cytogenetic location: 11p11.2.
Variant type: single nucleotide variant.
Coding change: c.339C>T on transcript NM_004813.4 (MANE Select); coding-DNA position 339, C replaced by T.
Protein change: p.Ile113=; no amino-acid change (isoleucine 113 retained).
Molecular consequence: synonymous variant.
Genome position (GRCh38, 1-based): chr11:45,915,723, G>A on the plus strand (C>T on the coding strand, the complement: PEX16 is on the minus strand). VCF-style: chr11-45915723-G-A. GRCh37 (hg19) VCF-style: chr11-45937274-G-A.
Other names: c.339C>T, p.Ile113= (NM_057174.3); c.339C>T (NM_004813.2).
Identifiers: ClinVar variation 2179498 (VCV002179498.7), dbSNP rs947543439, ClinGen allele CA221590649.

ClinVar aggregate classification (germline): Likely benign. Review status: criteria provided, multiple submitters, no conflicts (2 of 4 stars). 3 submissions from 3 submitters: Likely benign (2). 1 of the submissions does not count toward it. Last evaluated 2024-11-17.

Conditions:
Peroxisome biogenesis disorder. Identifiers: Orphanet 79189, MedGen C1832200, MONDO:0019234. Disease mechanism: loss of function.
PEX16-related disorder. Also called: PEX16-related condition.

Allele frequency attached by ClinVar (database versions not stated): gnomAD 0.00002; TOPMed 0.00002.

Submissions (3):

Blueprint Genetics
Classification: Likely benign. Last evaluated: 2024-11-17. Review status: criteria provided, single submitter. Criteria: ACMG Guidelines, 2015. Collection method: clinical testing. Allele origin: germline.

Labcorp Genetics (formerly Invitae), Labcorp
Classification: Likely benign for Peroxisome biogenesis disorder. Last evaluated: 2024-11-13. Review status: criteria provided, single submitter. Criteria: Invitae Variant Classification Sherloc (09022015). Collection method: clinical testing. Allele origin: germline.

PreventionGenetics, part of Exact Sciences
Classification: Likely benign for PEX16-related condition. Last evaluated: 2023-02-23. Review status: no assertion criteria provided. Collection method: clinical testing. Allele origin: germline. Not counted in ClinVar's aggregate classification.
Comment: This variant is classified as likely benign based on ACMG/AMP sequence variant interpretation guidelines (Richards et al. 2015 PMID: 25741868, with internal and published modifications).